The following is an entry in ClinVar:

ClinVar aggregate classification (germline): Uncertain significance. Review status: criteria provided, multiple submitters, no conflicts (2 of 4 stars). 5 submissions from 5 submitters: Uncertain significance (5). Last evaluated 2025-10-19.

Conditions:
Catecholaminergic polymorphic ventricular tachycardia (CVPT). Also called: Catecholamine-induced polymorphic ventricular tachycardia. Identifiers: Orphanet 3286, MedGen C5574922, MONDO:0017990.
Cardiomyopathy (CMYO). Also called: Cardiomyopathies. Identifiers: Orphanet 167848, MedGen C0878544, MONDO:0004994, HP:0001638. Inheritance: Various modes of inheritance.
Catecholaminergic polymorphic ventricular tachycardia 1. Also called: VENTRICULAR TACHYCARDIA, CATECHOLAMINERGIC POLYMORPHIC, 1, WITH OR WITHOUT ATRIAL DYSFUNCTION AND/OR DILATED CARDIOMYOPATHY; RYR2-Related Catecholaminergic Polymorphic Ventricular Tachycardia; VENTRICULAR TACHYCARDIA, STRESS-INDUCED POLYMORPHIC 1. Identifiers: Orphanet 3286, MedGen C1631597, MONDO:0011484, OMIM 604772.

Allele frequency attached by ClinVar (database versions not stated): gnomAD exomes below 0.00001 and 0.00003; gnomAD 0.00001; TOPMed 0.00001.
gnomAD v4.1: 43 of 1,609,672 alleles (0.0027%); highest among the groups gnomAD compares: Non-Finnish European, 0.0033%; no homozygotes.

Submissions (5):

Labcorp Genetics (formerly Invitae), Labcorp
Classification: Uncertain significance for Catecholaminergic polymorphic ventricular tachycardia 1. Last evaluated: 2025-10-19. Review status: criteria provided, single submitter. Criteria: Invitae Variant Classification Sherloc (09022015). Collection method: clinical testing. Allele origin: germline.
Comment: This sequence change replaces methionine, which is neutral and non-polar, with valine, which is neutral and non-polar, at codon 3689 of the RYR2 protein (p.Met3689Val). The frequency data for this variant in the population databases is considered unreliable, as metrics indicate poor data quality at this position in the gnomAD database. This variant has not been reported in the literature in individuals affected with RYR2-related conditions. ClinVar contains an entry for this variant (Variation ID: 920287). Invitae Evidence Modeling of protein sequence and biophysical properties (such as structural, functional, and spatial information, amino acid conservation, physicochemical variation, residue mobility, and thermodynamic stability) indicates that this missense variant is not expected to disrupt RYR2 protein function with a negative predictive value of 95%. In summary, the available evidence is currently insufficient to determine the role of this variant in disease. Therefore, it has been classified as a Variant of Uncertain Significance.

Greenwood Genetic Center Diagnostic Laboratories, Greenwood Genetic Center
Classification: Uncertain significance. Last evaluated: 2025-05-12. Review status: criteria provided, single submitter. Criteria: ACMG Guidelines, 2015. Collection method: clinical testing. Allele origin: germline. Affected: yes.
Comment: PP2

Color Diagnostics, LLC DBA Color Health
Classification: Uncertain significance for Cardiomyopathy. Last evaluated: 2025-04-06. Review status: criteria provided, single submitter. Criteria: ACMG Guidelines, 2015. Collection method: clinical testing. Allele origin: germline.
Comment: This missense variant replaces methionine with valine at codon 3689 of the RYR2 protein. Computational prediction is inconclusive regarding the impact of this variant on protein structure and function (internally defined REVEL score threshold 0.5 < inconclusive < 0.7, PMID: 27666373). To our knowledge, functional studies have not been reported for this variant. This variant has not been reported in individuals affected with RYR2-related disorders in the literature. This variant has been identified in 1/247592 chromosomes in the general population by the Genome Aggregation Database (gnomAD). The available evidence is insufficient to determine the role of this variant in disease conclusively. Therefore, this variant is classified as a Variant of Uncertain Significance.

All of Us Research Program, National Institutes of Health
Classification: Uncertain significance for Catecholaminergic polymorphic ventricular tachycardia. Last evaluated: 2024-07-20. Review status: criteria provided, single submitter. Criteria: ACMG Guidelines, 2015. Collection method: clinical testing. Allele origin: germline. Inheritance: Autosomal dominant inheritance. Observed: 4 variant alleles, 4 heterozygotes.
Comment: This missense variant replaces methionine with valine at codon 3689 of the RYR2 protein. Computational prediction is inconclusive regarding the impact of this variant on protein structure and function (internally defined REVEL score threshold 0.5 < inconclusive < 0.7, PMID: 27666373). To our knowledge, functional studies have not been reported for this variant. This variant has not been reported in individuals affected with RYR2-related disorders in the literature. This variant has been identified in 1/247592 chromosomes in the general population by the Genome Aggregation Database (gnomAD). The available evidence is insufficient to determine the role of this variant in disease conclusively. Therefore, this variant is classified as a Variant of Uncertain Significance.

This study involves interpretation of variants in research participants for the purpose of population health screening. Participant phenotype was not available at the time of variant classification. Additional details can be found in publication PMID: 35346344, PMCID: PMC8962531

GeneDx
Classification: Uncertain significance. Last evaluated: 2023-08-03. Review status: criteria provided, single submitter. Criteria: GeneDx Variant Classification Process June 2021. Collection method: clinical testing. Allele origin: germline. Affected: yes.
Comment: Has not been previously published as pathogenic or benign to our knowledge; Not observed at significant frequency in large population cohorts (gnomAD); In silico analysis supports that this missense variant does not alter protein structure/function; Not located in one of the three hot-spot regions of the RYR2 gene, where the majority of pathogenic missense variants occur (Medeiros-Domingo et al., 2009); This variant is associated with the following publications: (PMID: 19926015)

NM_001035.3(RYR2):c.11065A>G (p.Met3689Val)

Gene: RYR2 (ryanodine receptor 2; plus strand). Cytogenetic location: 1q43.
Variant type: single nucleotide variant.
Coding change: c.11065A>G on transcript NM_001035.3 (MANE Select); coding-DNA position 11065, A replaced by G.
Protein change: p.Met3689Val; replaces methionine 3689 with valine.
Molecular consequence: missense variant.
Genome position (GRCh38, 1-based): chr1:237,733,730, A>G. VCF-style: chr1-237733730-A-G. GRCh37 (hg19) VCF-style: chr1-237897030-A-G.
Other names: c.11065A>G (NM_001035.2); short protein forms M3689V.
Identifiers: ClinVar variation 920287 (VCV000920287.11), dbSNP rs1215940793, ClinGen allele CA345419198.
Genomic context (GRCh38, chr1:237,733,730, plus strand): 5'-CTTAAACACTGATGTTTTCTTCTTGCTTTCCCCAGCAAACTGGAGGAAGATTTTTTATAT[A>G]TGGCCTATGCAGATATTATGGCAAAGGTAAATAAGTATCCTTCCTGATTTTCATGTTTAA-3'
Protein context (NP_001026.2, residues 3679-3699): KCKLEEDFLY[Met3689Val]AYADIMAKSC